The following is an entry in ClinVar:

ClinVar aggregate classification (germline): Uncertain significance (1 of 4 stars; one submission).

Allele frequency attached by ClinVar (database versions not stated): gnomAD exomes below 0.00001.

Submission:

Labcorp Genetics (formerly Invitae), Labcorp
Classification: Uncertain significance. Last evaluated: 2022-11-01. Review status: criteria provided, single submitter. Criteria: Invitae Variant Classification Sherloc (09022015). Collection method: clinical testing. Allele origin: germline.
Comment: In summary, the available evidence is currently insufficient to determine the role of this variant in disease. Therefore, it has been classified as a Variant of Uncertain Significance. Experimental studies and prediction algorithms are not available or were not evaluated, and the functional significance of this variant is currently unknown. This variant has not been reported in the literature in individuals affected with PDE6H-related conditions. This variant is not present in population databases (gnomAD no frequency). This sequence change creates a premature translational stop signal (p.Gln79*) in the PDE6H gene. While this is not anticipated to result in nonsense mediated decay, it is expected to disrupt the last 5 amino acid(s) of the PDE6H protein.

NM_006205.3(PDE6H):c.235C>T (p.Gln79Ter)

Gene: PDE6H (phosphodiesterase 6H; plus strand). Cytogenetic location: 12p12.3.
Variant type: single nucleotide variant.
Coding change: c.235C>T on transcript NM_006205.3 (MANE Select); coding-DNA position 235, C replaced by T.
Protein change: p.Gln79Ter; replaces glutamine 79 with a stop codon.
Molecular consequence: nonsense.
Genome position (GRCh38, 1-based): chr12:14,981,459, C>T. VCF-style: chr12-14981459-C-T. GRCh37 (hg19) VCF-style: chr12-15134393-C-T.
Other names: short protein forms Q79*.
Identifiers: ClinVar variation 2021450 (VCV002021450.4), dbSNP rs2497607143, ClinGen allele CA384025563.